The following is an entry in ClinVar:

NM_000202.8(IDS):c.98C>T (p.Thr33Ile)

Gene: IDS (iduronate 2-sulfatase; minus strand). Cytogenetic location: Xq28.
Variant type: single nucleotide variant.
Coding change: c.98C>T on transcript NM_000202.8 (MANE Select); coding-DNA position 98, C replaced by T.
Protein change: p.Thr33Ile; replaces threonine 33 with isoleucine.
Molecular consequence: missense variant. On other transcripts: 5 prime UTR variant (1), non-coding transcript variant (1).
Genome position (GRCh38, 1-based): chrX:149,505,040, G>A on the plus strand (C>T on the coding strand, the complement: IDS is on the minus strand). VCF-style: chrX-149505040-G-A. GRCh37 (hg19) VCF-style: chrX-148586570-G-A.
Other names: c.-129C>T (NM_001166550.4); c.98C>T, p.Thr33Ile (NM_006123.5); short protein forms T33I.
Identifiers: ClinVar variation 2916888 (VCV002916888.3), dbSNP rs1557340562, ClinGen allele CA414528138.

ClinVar aggregate classification (germline): Uncertain significance (1 of 4 stars; one submission).

Conditions:
Mucopolysaccharidosis, MPS-II (MPS2). Also called: Mucopolysaccharidosis type 2; Mucopolysaccharidosis with skin involvement; IDS deficiency; Sulfoiduronate sulfatase deficiency; SIDS deficiency; Attenuated MPS (subtype; formerly known as mild MPS II). Identifiers: Orphanet 580, Orphanet 79388, MedGen C0026705, MONDO:0010674, OMIM 309900.

Allele frequency attached by ClinVar (database versions not stated): gnomAD exomes 0.00001; TOPMed 0.00002.
gnomAD v4.1: 10 of 1,205,503 alleles (0.00083%); highest among the groups gnomAD compares: Non-Finnish European, 0.001%; no homozygotes.

Submission:

Labcorp Genetics (formerly Invitae), Labcorp
Classification: Uncertain significance for Mucopolysaccharidosis, MPS-II. Last evaluated: 2024-10-23. Review status: criteria provided, single submitter. Criteria: Invitae Variant Classification Sherloc (09022015). Collection method: clinical testing. Allele origin: germline.
Comment: This sequence change replaces threonine, which is neutral and polar, with isoleucine, which is neutral and non-polar, at codon 33 of the IDS protein (p.Thr33Ile). This variant is present in population databases (no rsID available, gnomAD 0.001%), including at least one homozygous and/or hemizygous individual. This variant has not been reported in the literature in individuals affected with IDS-related conditions. Invitae Evidence Modeling of protein sequence and biophysical properties (such as structural, functional, and spatial information, amino acid conservation, physicochemical variation, residue mobility, and thermodynamic stability) indicates that this missense variant is not expected to disrupt IDS protein function with a negative predictive value of 80%. In summary, the available evidence is currently insufficient to determine the role of this variant in disease. Therefore, it has been classified as a Variant of Uncertain Significance.